The following is an entry in ClinVar:

ClinVar aggregate classification (germline): Likely benign. Review status: criteria provided, multiple submitters, no conflicts (2 of 4 stars). 5 submissions from 5 submitters: Likely benign (4). 1 of the submissions does not count toward it. Last evaluated 2026-05-01.

Conditions:
VARS2-related disorder. Also called: VARS2-related condition; VARS2-related disorders.

Allele frequency attached by ClinVar (database versions not stated): ExAC 0.00004; gnomAD exomes 0.00004; ESP Exome Variant Server 0.00008; gnomAD 0.00019; 1000 Genomes Project 0.00020; TOPMed 0.00021; 1000 Genomes Project 30x 0.00031.
gnomAD v4.1: 86 of 1,613,800 alleles (0.0053%); highest among the groups gnomAD compares: Admixed American, 0.08%; 1 homozygote.

Submissions (5):

CeGaT Center for Human Genetics Tuebingen
Classification: Likely benign. Last evaluated: 2026-05-01. Review status: criteria provided, single submitter. Criteria: CeGaT Center For Human Genetics Tuebingen Variant Classification Criteria Version 2. Collection method: clinical testing. Allele origin: germline. Affected: yes. Observed: 1 variant allele.
Comment: VARS2: BP4, BP7

Labcorp Genetics (formerly Invitae), Labcorp
Classification: Likely benign. Last evaluated: 2026-01-05. Review status: criteria provided, single submitter. Criteria: Invitae Variant Classification Sherloc (09022015). Collection method: clinical testing. Allele origin: germline.

Mayo Clinic Laboratories, Mayo Clinic
Classification: Likely benign. Last evaluated: 2025-06-23. Review status: criteria provided, single submitter. Criteria: ACMG Guidelines, 2015. Collection method: clinical testing. Allele origin: germline. Observed: 1 variant allele.
Comment: BP4, BP7, PM2_supporting

Blueprint Genetics
Classification: Likely benign. Last evaluated: 2024-09-13. Review status: criteria provided, single submitter. Criteria: ACMG Guidelines, 2015. Collection method: clinical testing. Allele origin: germline.

PreventionGenetics, part of Exact Sciences
Classification: Likely benign for VARS2-related condition. Last evaluated: 2020-01-14. Review status: no assertion criteria provided. Collection method: clinical testing. Allele origin: germline. Not counted in ClinVar's aggregate classification.
Comment: This variant is classified as likely benign based on ACMG/AMP sequence variant interpretation guidelines (Richards et al. 2015 PMID: 25741868, with internal and published modifications).

NM_020442.6(VARS2):c.636G>A (p.Glu212=)

Gene: VARS2 (valyl-tRNA synthetase 2, mitochondrial; plus strand). Cytogenetic location: 6p21.33.
Variant type: single nucleotide variant.
Coding change: c.636G>A on transcript NM_020442.6 (MANE Select); coding-DNA position 636, G replaced by A.
Protein change: p.Glu212=; no amino-acid change (glutamic acid 212 retained).
Molecular consequence: synonymous variant.
Genome position (GRCh38, 1-based): chr6:30,916,214, G>A. VCF-style: chr6-30916214-G-A. GRCh37 (hg19) VCF-style: chr6-30883991-G-A.
Other names: p.Glu242=; c.216G>A, p.Glu72= (NM_001167733.3); c.726G>A, p.Glu242= (NM_001167734.2); c.726G>A (NM_001167734.1).
Identifiers: ClinVar variation 2070271 (VCV002070271.10), dbSNP rs200841762, ClinGen allele CA3705676.